The following is an entry in ClinVar:

ClinVar aggregate classification (germline): Uncertain significance (1 of 4 stars; one submission).

Submission:

Labcorp Genetics (formerly Invitae), Labcorp
Classification: Uncertain significance. Last evaluated: 2025-04-11. Review status: criteria provided, single submitter. Criteria: Invitae Variant Classification Sherloc (09022015). Collection method: clinical testing. Allele origin: germline.
Comment: This sequence change replaces phenylalanine, which is neutral and non-polar, with serine, which is neutral and polar, at codon 690 of the PIEZO1 protein (p.Phe690Ser). This variant is not present in population databases (gnomAD no frequency). This variant has not been reported in the literature in individuals affected with PIEZO1-related conditions. Invitae Evidence Modeling of protein sequence and biophysical properties (such as structural, functional, and spatial information, amino acid conservation, physicochemical variation, residue mobility, and thermodynamic stability) indicates that this missense variant is expected to disrupt PIEZO1 protein function with a positive predictive value of 80%. In summary, the available evidence is currently insufficient to determine the role of this variant in disease. Therefore, it has been classified as a Variant of Uncertain Significance.

NM_001142864.4(PIEZO1):c.2069T>C (p.Phe690Ser)

Genes: HSALR1 (HSP90AB1 associated lncRNA 1; plus strand), PIEZO1 (piezo type mechanosensitive ion channel component 1 (Er blood group); minus strand). Cytogenetic location: 16q24.3.
Variant type: single nucleotide variant.
Coding change: c.2069T>C on transcript NM_001142864.4 (MANE Select); coding-DNA position 2069, T replaced by C.
Protein change: p.Phe690Ser; replaces phenylalanine 690 with serine.
Molecular consequence: missense variant.
Genome position (GRCh38, 1-based): chr16:88,734,467, A>G on the plus strand (T>C on the coding strand, the complement: PIEZO1 is on the minus strand). VCF-style: chr16-88734467-A-G. GRCh37 (hg19) VCF-style: chr16-88800875-A-G.
Other names: short protein forms F690S.
Identifiers: ClinVar variation 4745505 (VCV004745505.1).